The following is an entry in ClinVar:

ClinVar aggregate classification (germline): Uncertain significance (1 of 4 stars; one submission).

Allele frequency attached by ClinVar (database versions not stated): ExAC 0.00012; gnomAD 0.00002; TOPMed 0.00003; gnomAD exomes 0.00004 and 0.00007.
gnomAD v4.1: 62 of 1,610,556 alleles (0.0038%); highest among the groups gnomAD compares: Non-Finnish European, 0.0046%; no homozygotes.

Submission:

Labcorp Genetics (formerly Invitae), Labcorp
Classification: Uncertain significance. Last evaluated: 2025-07-16. Review status: criteria provided, single submitter. Criteria: Invitae Variant Classification Sherloc (09022015). Collection method: clinical testing. Allele origin: germline.
Comment: This sequence change replaces arginine, which is basic and polar, with glutamine, which is neutral and polar, at codon 502 of the LBR protein (p.Arg502Gln). This variant is present in population databases (rs758405025, gnomAD 0.01%). This variant has not been reported in the literature in individuals affected with LBR-related conditions. ClinVar contains an entry for this variant (Variation ID: 1038002). Invitae Evidence Modeling of protein sequence and biophysical properties (such as structural, functional, and spatial information, amino acid conservation, physicochemical variation, residue mobility, and thermodynamic stability) indicates that this missense variant is expected to disrupt LBR protein function with a positive predictive value of 80%. In summary, the available evidence is currently insufficient to determine the role of this variant in disease. Therefore, it has been classified as a Variant of Uncertain Significance.

NM_002296.4(LBR):c.1505G>A (p.Arg502Gln)

Gene: LBR (lamin B receptor; minus strand). Cytogenetic location: 1q42.12.
Variant type: single nucleotide variant.
Coding change: c.1505G>A on transcript NM_002296.4 (MANE Select); coding-DNA position 1505, G replaced by A.
Protein change: p.Arg502Gln; replaces arginine 502 with glutamine.
Molecular consequence: missense variant.
Genome position (GRCh38, 1-based): chr1:225,404,685, C>T on the plus strand (G>A on the coding strand, the complement: LBR is on the minus strand). VCF-style: chr1-225404685-C-T. GRCh37 (hg19) VCF-style: chr1-225592387-C-T.
Other names: c.1505G>A, p.Arg502Gln (NM_194442.3); short protein forms R502Q.
Identifiers: ClinVar variation 1038002 (VCV001038002.8), dbSNP rs758405025, ClinGen allele CA1417121.